The following is an entry in ClinVar:

NM_006950.3(SYN1):c.316G>T (p.Ala106Ser)

Gene: SYN1 (synapsin I; minus strand). Cytogenetic location: Xp11.23.
Variant type: single nucleotide variant.
Coding change: c.316G>T on transcript NM_006950.3 (MANE Select); coding-DNA position 316, G replaced by T.
Protein change: p.Ala106Ser; replaces alanine 106 with serine.
Molecular consequence: missense variant.
Genome position (GRCh38, 1-based): chrX:47,619,413, C>A on the plus strand (G>T on the coding strand, the complement: SYN1 is on the minus strand). VCF-style: chrX-47619413-C-A. GRCh37 (hg19) VCF-style: chrX-47478812-C-A.
Other names: c.316G>T, p.Ala106Ser (NM_133499.2); short protein forms A106S.
Identifiers: ClinVar variation 193491 (VCV000193491.9), dbSNP rs794726957, ClinGen allele CA239015.
Genomic context (GRCh38, chrX:47,619,413, plus strand): 5'-AGTCGGTGTGCGGCTCGTCGATGACCAGCAGCACCCTGGAGGCGGCTCCCCCGCGGCCTG[C>A]GCCCCCAGAGCCGCCGCCCACCTGCTCGCTGAAGGTGGCAGCTGCCGCCGCCGTGGTCTG-3'
Protein context (NP_008881.2, residues 96-116): SEQVGGGSGG[Ala106Ser]GRGGAASRVL

ClinVar aggregate classification (germline): Conflicting classifications of pathogenicity. Review status: criteria provided, conflicting classifications (1 of 4 stars). 3 submissions from 3 submitters: Uncertain significance (2); Likely benign (1). Last evaluated 2026-02-18.

Conditions:
Epilepsy, X-linked 1, with variable learning disabilities and behavior disorders. Also called: X-linked epilepsy-learning disabilities-behavior disorders syndrome. Identifiers: Orphanet 85294, MedGen C5774177, MONDO:0010339, OMIM 300491.

Allele frequency attached by ClinVar (database versions not stated): gnomAD 0.00001.

Submissions (3):

Centre for Medical Genetics,  Mumbai
Classification: Likely benign for Epilepsy, X-linked 1, with variable learning disabilities and behavior disorders. Last evaluated: 2026-02-18. Review status: criteria provided, single submitter. Criteria: ACMG Guidelines, 2015. Collection method: provider interpretation. Allele origin: germline. Inheritance: X-linked inheritance. Affected: no. Observed: 1 homozygote.
Comment: The variant satisfies PM2 criteria; extremely low frequency in gnomAD population databases. The variant satisfies BP4 criteria; For a missense or a splice region variant, computational prediction tools unanimously support a benign effect on the gene. However, the variant satisfies BS2 criteria.

Labcorp Genetics (formerly Invitae), Labcorp
Classification: Uncertain significance for Epilepsy, X-linked 1, with variable learning disabilities and behavior disorders. Last evaluated: 2022-07-12. Review status: criteria provided, single submitter. Criteria: Invitae Variant Classification Sherloc (09022015). Collection method: clinical testing. Allele origin: germline.
Comment: In summary, the available evidence is currently insufficient to determine the role of this variant in disease. Therefore, it has been classified as a Variant of Uncertain Significance. Algorithms developed to predict the effect of missense changes on protein structure and function output the following: SIFT: "Tolerated"; PolyPhen-2: "Benign"; Align-GVGD: "Class C0". The serine amino acid residue is found in multiple mammalian species, which suggests that this missense change does not adversely affect protein function. ClinVar contains an entry for this variant (Variation ID: 193491). This variant has not been reported in the literature in individuals affected with SYN1-related conditions. This variant is not present in population databases (gnomAD no frequency). This sequence change replaces alanine, which is neutral and non-polar, with serine, which is neutral and polar, at codon 106 of the SYN1 protein (p.Ala106Ser).

Eurofins Ntd Llc (ga)
Classification: Uncertain significance. Last evaluated: 2016-06-22. Review status: criteria provided, single submitter. Criteria: EGL Classification Definitions 2015. Collection method: clinical testing. Allele origin: germline. Observed: 2 variant alleles, 2 heterozygotes.

Literature cited by the submitters: PubMed 14985377 (cited by Centre for Medical Genetics,  Mumbai).